The following is an entry in ClinVar:

ClinVar aggregate classification (germline): Uncertain significance (1 of 4 stars; one submission).

Conditions:
Catecholaminergic polymorphic ventricular tachycardia 1. Also called: VENTRICULAR TACHYCARDIA, CATECHOLAMINERGIC POLYMORPHIC, 1, WITH OR WITHOUT ATRIAL DYSFUNCTION AND/OR DILATED CARDIOMYOPATHY; VENTRICULAR TACHYCARDIA, STRESS-INDUCED POLYMORPHIC 1; RYR2-Related Catecholaminergic Polymorphic Ventricular Tachycardia. Identifiers: Orphanet 3286, MedGen C1631597, MONDO:0011484, OMIM 604772.

Submission:

Labcorp Genetics (formerly Invitae), Labcorp
Classification: Uncertain significance for Catecholaminergic polymorphic ventricular tachycardia 1. Last evaluated: 2023-03-07. Review status: criteria provided, single submitter. Criteria: Invitae Variant Classification Sherloc (09022015). Collection method: clinical testing. Allele origin: germline.
Comment: This sequence change replaces isoleucine, which is neutral and non-polar, with phenylalanine, which is neutral and non-polar, at codon 3480 of the RYR2 protein (p.Ile3480Phe). This variant is not present in population databases (gnomAD no frequency). This variant has not been reported in the literature in individuals affected with RYR2-related conditions. Advanced modeling of protein sequence and biophysical properties (such as structural, functional, and spatial information, amino acid conservation, physicochemical variation, residue mobility, and thermodynamic stability) performed at Invitae indicates that this missense variant is not expected to disrupt RYR2 protein function. In summary, the available evidence is currently insufficient to determine the role of this variant in disease. Therefore, it has been classified as a Variant of Uncertain Significance.

NM_001035.3(RYR2):c.10438A>T (p.Ile3480Phe)

Gene: RYR2 (ryanodine receptor 2; plus strand). Cytogenetic location: 1q43.
Variant type: single nucleotide variant.
Coding change: c.10438A>T on transcript NM_001035.3 (MANE Select); coding-DNA position 10438, A replaced by T.
Protein change: p.Ile3480Phe; replaces isoleucine 3480 with phenylalanine.
Molecular consequence: missense variant.
Genome position (GRCh38, 1-based): chr1:237,717,312, A>T. VCF-style: chr1-237717312-A-T. GRCh37 (hg19) VCF-style: chr1-237880612-A-T.
Other names: short protein forms I3480F.
Identifiers: ClinVar variation 2843399 (VCV002843399.3), dbSNP rs1689347448, ClinGen allele CA345414657.
Genomic context (GRCh38, chr1:237,717,312, plus strand): 5'-TCCATGCAGACCTCTCTGATTGTAGCAGCTCTGAAGCGGTTACTGCCCATTGGGTTGAAC[A>T]TCTGTGCCCCTGGGGACCAGGAGCTCATTGCTCTGGCCAAAAATCGATTTAGCCTGGTAA-3'
Protein context (NP_001026.2, residues 3470-3490): LKRLLPIGLN[Ile3480Phe]CAPGDQELIA